The following is an entry in ClinVar:

NR_023317.1(RNU7-1):n.40C>T

Genes: C12orf57 (chromosome 12 open reading frame 57; plus strand), RNU7-1 (RNA, U7 small nuclear 1; plus strand). Cytogenetic location: 12p13.31.
Variant type: single nucleotide variant.
Molecular consequence: non-coding transcript variant (on NR_023317.1). On other transcripts: intron variant (2).
Genome position: GRCh38 VCF-style: chr12-6943855-C-T. GRCh37 (hg19) VCF-style: chr12-7053018-C-T.
Other names: c.13+193C>T (NM_001301836.2); c.-16+193C>T (NM_001301834.1).
Identifiers: ClinVar variation 4683719 (VCV004683719.1).

ClinVar aggregate classification (germline): Likely benign (1 of 4 stars; one submission).

gnomAD v4.1: 1,514 of 933,144 alleles (0.16%); highest among the groups gnomAD compares: Middle Eastern, 0.49%; 2 homozygotes.

Submission:

Mayo Clinic Laboratories, Mayo Clinic
Classification: Likely benign. Last evaluated: 2025-05-23. Review status: criteria provided, single submitter. Criteria: ACMG Guidelines, 2015. Collection method: clinical testing. Allele origin: germline. Observed: 2 variant alleles.
Comment: BS1